The following is an entry in ClinVar:

ClinVar aggregate classification (germline): Benign. Review status: criteria provided, multiple submitters, no conflicts (2 of 4 stars). 6 submissions from 6 submitters: Benign (6). Last evaluated 2026-01-31.

Conditions:
Mitochondrial trifunctional protein deficiency. Identifiers: Orphanet 746, MedGen C1969443, MONDO:0012172.
Mitochondrial trifunctional protein deficiency 2 (MTPD2). Identifiers: MedGen C5830374, MONDO:0958185, OMIM 620300.

Allele frequency attached by ClinVar (database versions not stated): ESP Exome Variant Server 0.00538; TOPMed 0.00652; 1000 Genomes Project 0.00859; 1000 Genomes Project 30x 0.00906.
gnomAD v4.1: 2,379 of 1,605,282 alleles (0.15%); highest among the groups gnomAD compares: African/African-American, 2.1%; 16 homozygotes.

Submissions (6):

Labcorp Genetics (formerly Invitae), Labcorp
Classification: Benign for Mitochondrial trifunctional protein deficiency. Last evaluated: 2026-01-31. Review status: criteria provided, single submitter. Criteria: Invitae Variant Classification Sherloc (09022015). Collection method: clinical testing. Allele origin: germline.

ARUP Laboratories, Molecular Genetics and Genomics, ARUP Laboratories
Classification: Benign for Mitochondrial trifunctional protein deficiency 2. Last evaluated: 2023-11-22. Review status: criteria provided, single submitter. Criteria: ARUP Molecular Germline Variant Investigation Process 2024. Collection method: clinical testing. Allele origin: germline.

Mayo Clinic Laboratories, Mayo Clinic
Classification: Benign. Last evaluated: 2019-02-28. Review status: criteria provided, single submitter. Criteria: ACMG Guidelines, 2015. Collection method: clinical testing. Allele origin: germline. Observed: 10 variant alleles.

Illumina Laboratory Services, Illumina
Classification: Benign for Mitochondrial trifunctional protein deficiency 1. Last evaluated: 2018-01-12. Review status: criteria provided, single submitter. Criteria: ICSL Variant Classification Criteria 13 December 2019. Collection method: clinical testing. Allele origin: germline.
Comment: This variant was observed in the ICSL laboratory as part of a predisposition screen in an ostensibly healthy population. It had not been previously curated by ICSL or reported in the Human Gene Mutation Database (HGMD: prior to June 1st, 2018), and was therefore a candidate for classification through an automated scoring system. Utilizing variant allele frequency, disease prevalence and penetrance estimates, and inheritance mode, an automated score was calculated to assess if this variant is too frequent to cause the disease. Based on the score and internal cut-off values, a variant classified as benign is not then subjected to further curation. The score for this variant resulted in a classification of benign for this disease.

GeneDx
Classification: Benign. Last evaluated: 2014-10-08. Review status: criteria provided, single submitter. Criteria: GeneDx Variant Classification (06012015). Collection method: clinical testing. Allele origin: germline. Affected: yes.
Comment: This variant is considered likely benign or benign based on one or more of the following criteria: it is a conservative change, it occurs at a poorly conserved position in the protein, it is predicted to be benign by multiple in silico algorithms, and/or has population frequency not consistent with disease.

Breakthrough Genomics
Classification: Benign. Review status: criteria provided, single submitter. Criteria: ACMG Guidelines, 2015. Collection method: not provided. Allele origin: germline. Inheritance: Autosomal recessive inheritance. Affected: yes.

NM_000183.3(HADHB):c.812-5A>T

Gene: HADHB (hydroxyacyl-CoA dehydrogenase trifunctional multienzyme complex subunit beta; plus strand). Cytogenetic location: 2p23.3.
Variant type: single nucleotide variant.
Coding change: c.812-5A>T on transcript NM_000183.3 (MANE Select); 5 bases into the intron before coding-DNA position 812, A replaced by T.
Molecular consequence: intron variant.
Genome position (GRCh38, 1-based): chr2:26,279,989, A>T. VCF-style: chr2-26279989-A-T. GRCh37 (hg19) VCF-style: chr2-26502857-A-T.
Other names: p.?; c.746-5A>T (NM_001281513.2); c.767-5A>T (NM_001281512.2).
Identifiers: ClinVar variation 203749 (VCV000203749.17), dbSNP rs72851534, ClinGen allele CA312589.